The following is an entry in ClinVar:

NM_000479.5(AMH):c.1620G>A (p.Ser540=)

Gene: AMH (anti-Mullerian hormone; plus strand). Cytogenetic location: 19p13.3.
Variant type: single nucleotide variant.
Coding change: c.1620G>A on transcript NM_000479.5 (MANE Select); coding-DNA position 1620, G replaced by A.
Protein change: p.Ser540=; no amino-acid change (serine 540 retained).
Molecular consequence: synonymous variant.
Genome position (GRCh38, 1-based): chr19:2,251,894, G>A. VCF-style: chr19-2251894-G-A. GRCh37 (hg19) VCF-style: chr19-2251893-G-A.
Identifiers: ClinVar variation 752683 (VCV000752683.5), dbSNP rs778719907, ClinGen allele CA9063129.

ClinVar aggregate classification (germline): Likely benign. Review status: criteria provided, single submitter (1 of 4 stars). 2 submissions from 2 submitters: Likely benign (1). 1 of the submissions does not count toward it. Last evaluated 2018-06-13.

Conditions:
AMH-related disorder. Also called: AMH-related condition.

Allele frequency attached by ClinVar (database versions not stated): TOPMed 0.00004.
gnomAD v4.1: 40 of 1,575,126 alleles (0.0025%); highest among the groups gnomAD compares: Admixed American, 0.065%; no homozygotes.

Submissions (2):

Labcorp Genetics (formerly Invitae), Labcorp
Classification: Likely benign. Last evaluated: 2018-06-13. Review status: criteria provided, single submitter. Criteria: Invitae Variant Classification Sherloc (09022015). Collection method: clinical testing. Allele origin: germline.

PreventionGenetics, part of Exact Sciences
Classification: Likely benign for AMH-related condition. Last evaluated: 2019-11-12. Review status: no assertion criteria provided. Collection method: clinical testing. Allele origin: germline. Not counted in ClinVar's aggregate classification.
Comment: This variant is classified as likely benign based on ACMG/AMP sequence variant interpretation guidelines (Richards et al. 2015 PMID: 25741868, with internal and published modifications).